The following is an entry in ClinVar:

NM_025132.4(WDR19):c.1775A>G (p.Gln592Arg)

Gene: WDR19 (WD repeat domain 19; plus strand). Cytogenetic location: 4p14.
Variant type: single nucleotide variant.
Coding change: c.1775A>G on transcript NM_025132.4 (MANE Select); coding-DNA position 1775, A replaced by G.
Protein change: p.Gln592Arg; replaces glutamine 592 with arginine.
Molecular consequence: missense variant.
Genome position (GRCh38, 1-based): chr4:39,228,355, A>G. VCF-style: chr4-39228355-A-G. GRCh37 (hg19) VCF-style: chr4-39229975-A-G.
Other names: c.1295A>G, p.Gln432Arg (NM_001317924.2); short protein forms Q592R, Q432R.
Identifiers: ClinVar variation 798149 (VCV000798149.15), dbSNP rs190192706, ClinGen allele CA2891921.

ClinVar aggregate classification (germline): Conflicting classifications of pathogenicity. Review status: criteria provided, conflicting classifications (1 of 4 stars). 5 submissions from 4 submitters: Uncertain significance (3); Likely benign (2). Last evaluated 2026-02-24.

Conditions:
WDR19-related disorder. Also called: WDR19-related condition; WDR19-related disorders. Identifiers: MedGen CN380161.
Senior-Loken syndrome 8 (SLSN8). Identifiers: Orphanet 3156, MedGen C4225376, MONDO:0014579, OMIM 616307.
Asphyxiating thoracic dystrophy 5 (SRTD5). Also called: SHORT-RIB THORACIC DYSPLASIA 5 WITH OR WITHOUT POLYDACTYLY; SHORT-RIB THORACIC DYSPLASIA 5 WITHOUT POLYDACTYLY. Identifiers: Orphanet 474, MedGen C3280598, MONDO:0013717, OMIM 614376.
Cranioectodermal dysplasia 4 (CED4). Identifiers: Orphanet 1515, MedGen C3280616, MONDO:0013719, OMIM 614378.

Allele frequency attached by ClinVar (database versions not stated): gnomAD 0.00010; TOPMed 0.00010; ESP Exome Variant Server 0.00017; 1000 Genomes Project 0.00020; 1000 Genomes Project 30x 0.00031.

Submissions (5):

PreventionGenetics, part of Exact Sciences
Classification: Likely benign for WDR19-related condition. Last evaluated: 2026-02-24. Review status: criteria provided, single submitter. Criteria: ACMG Guidelines, 2015. Collection method: clinical testing. Allele origin: germline.
Comment: This variant is classified as likely benign based on ACMG/AMP sequence variant interpretation guidelines (Richards et al. 2015 PMID: 25741868, with internal and published modifications).

Labcorp Genetics (formerly Invitae), Labcorp
Classification: Likely benign for Senior-Loken syndrome 8; Asphyxiating thoracic dystrophy 5. Last evaluated: 2025-11-02. Review status: criteria provided, single submitter. Criteria: Invitae Variant Classification Sherloc (09022015). Collection method: clinical testing. Allele origin: germline.

Blueprint Genetics
Classification: Uncertain significance. Last evaluated: 2023-12-12. Review status: criteria provided, single submitter. Criteria: ACMG Guidelines, 2015. Collection method: clinical testing. Allele origin: germline.

Illumina Laboratory Services, Illumina
Classification: Uncertain significance for Asphyxiating thoracic dystrophy 5. Last evaluated: 2018-01-13. Review status: criteria provided, single submitter. Criteria: ICSL Variant Classification Criteria 13 December 2019. Collection method: clinical testing. Allele origin: germline.

Illumina Laboratory Services, Illumina
Classification: Uncertain significance for Cranioectodermal dysplasia 4. Last evaluated: 2018-01-13. Review status: criteria provided, single submitter. Criteria: ICSL Variant Classification Criteria 13 December 2019. Collection method: clinical testing. Allele origin: germline.